The following is an entry in ClinVar:

ClinVar aggregate classification (germline): Uncertain significance (1 of 4 stars; one submission).

Conditions:
Developmental and epileptic encephalopathy, 30 (DEE30). Also called: Epileptic encephalopathy, early infantile, 30. Identifiers: MedGen C4225360, MONDO:0014595, OMIM 616341.

Submission:

Labcorp Genetics (formerly Invitae), Labcorp
Classification: Uncertain significance for Developmental and epileptic encephalopathy, 30. Last evaluated: 2024-11-28. Review status: criteria provided, single submitter. Criteria: Invitae Variant Classification Sherloc (09022015). Collection method: clinical testing. Allele origin: germline.
Comment: This sequence change replaces serine, which is neutral and polar, with leucine, which is neutral and non-polar, at codon 704 of the SIK1 protein (p.Ser704Leu). This variant is not present in population databases (gnomAD no frequency). This variant has not been reported in the literature in individuals affected with SIK1-related conditions. ClinVar contains an entry for this variant (Variation ID: 1023363). Invitae Evidence Modeling of protein sequence and biophysical properties (such as structural, functional, and spatial information, amino acid conservation, physicochemical variation, residue mobility, and thermodynamic stability) indicates that this missense variant is not expected to disrupt SIK1 protein function with a negative predictive value of 95%. In summary, the available evidence is currently insufficient to determine the role of this variant in disease. Therefore, it has been classified as a Variant of Uncertain Significance.

NM_173354.5(SIK1):c.2111C>T (p.Ser704Leu)

Gene: SIK1 (salt inducible kinase 1; minus strand). Cytogenetic location: 21q22.3.
Variant type: single nucleotide variant.
Coding change: c.2111C>T on transcript NM_173354.5 (MANE Select); coding-DNA position 2111, C replaced by T.
Protein change: p.Ser704Leu; replaces serine 704 with leucine.
Molecular consequence: missense variant.
Genome position (GRCh38, 1-based): chr21:43,416,983, G>A on the plus strand (C>T on the coding strand, the complement: SIK1 is on the minus strand). VCF-style: chr21-43416983-G-A. GRCh37 (hg19) VCF-style: chr21-44836863-G-A.
Other names: short protein forms S704L.
Identifiers: ClinVar variation 1023363 (VCV001023363.9), dbSNP rs1217587469, ClinGen allele CA410606630.